The following is an entry in ClinVar:

ClinVar aggregate classification (germline): Likely benign. Review status: criteria provided, multiple submitters, no conflicts (2 of 4 stars). 3 submissions from 3 submitters: Likely benign (2). 1 of the submissions does not count toward it. Last evaluated 2024-09-13.

Conditions:
PNPLA6-related disorder. Also called: PNPLA6-related disorders; PNPLA6-related condition.
Hereditary spastic paraplegia 39 (SPG39). Also called: Spastic Paraplegia Type 39 (SPG39); SPASTIC PARAPLEGIA 39, AUTOSOMAL RECESSIVE. Identifiers: Orphanet 139480, MedGen C2677586, MONDO:0012787, OMIM 612020.

Allele frequency attached by ClinVar (database versions not stated): gnomAD 0.00001; gnomAD exomes 0.00001; TOPMed 0.00001; ExAC 0.00016.
gnomAD v4.1: 16 of 1,549,480 alleles (0.001%); highest among the groups gnomAD compares: African/African-American, 0.0082%; 1 homozygote.

Submissions (3):

Labcorp Genetics (formerly Invitae), Labcorp
Classification: Likely benign for Hereditary spastic paraplegia 39. Last evaluated: 2024-09-13. Review status: criteria provided, single submitter. Criteria: Invitae Variant Classification Sherloc (09022015). Collection method: clinical testing. Allele origin: germline.

Blueprint Genetics
Classification: Likely benign. Last evaluated: 2024-05-21. Review status: criteria provided, single submitter. Criteria: ACMG Guidelines, 2015. Collection method: clinical testing. Allele origin: germline.

PreventionGenetics, part of Exact Sciences
Classification: Likely benign for PNPLA6-related condition. Last evaluated: 2019-04-09. Review status: no assertion criteria provided. Collection method: clinical testing. Allele origin: germline. Not counted in ClinVar's aggregate classification.
Comment: This variant is classified as likely benign based on ACMG/AMP sequence variant interpretation guidelines (Richards et al. 2015 PMID: 25741868, with internal and published modifications).

NM_001166114.2(PNPLA6):c.2115G>C (p.Ala705=)

Gene: PNPLA6 (patatin like domain 6, lysophospholipase; plus strand). Cytogenetic location: 19p13.2.
Variant type: single nucleotide variant.
Coding change: c.2115G>C on transcript NM_001166114.2 (MANE Select); coding-DNA position 2115, G replaced by C.
Protein change: p.Ala705=; no amino-acid change (alanine 705 retained).
Molecular consequence: synonymous variant.
Genome position (GRCh38, 1-based): chr19:7,551,038, G>C. VCF-style: chr19-7551038-G-C. GRCh37 (hg19) VCF-style: chr19-7615924-G-C.
Other names: c.2142G>C, p.Ala714= (NM_001166111.2); c.1920G>C, p.Ala640= (NM_001166112.2); c.1998G>C, p.Ala666= (NM_001166113.1, NM_006702.5); c.2142G>C (NM_001166111.1).
Identifiers: ClinVar variation 1615975 (VCV001615975.11), dbSNP rs769646919, ClinGen allele CA9140008.
Genomic context (GRCh38, chr19:7,551,038, plus strand): 5'-GCACGCGGCCCCCCAGGTGGAGGCACTGACCCGGCAGCCGCGAGCCACGACGGTGCACGC[G>C]GTGCGCGACACGGAGCTGGCCAAGCTTCCCGAGGGCACCTTGGGTCACATCAAACGCCGG-3'
Protein context (NP_001159586.1, residues 695-715): TRQPRATTVH[Ala705=]VRDTELAKLP